The following is an entry in ClinVar:

NM_173685.4(NSMCE2):c.47_49del (p.Ser16del)

Gene: NSMCE2 (NSE2 SUMO ligase component of SMC5/6 complex; plus strand). Cytogenetic location: 8q24.13.
Variant type: Deletion.
Coding change: c.47_49del on transcript NM_173685.4 (MANE Select); coding-DNA positions 47 to 49, 3 bases deleted (CCT; older notation c.47_49delCCT).
Protein change: p.Ser16del; deletes serine 16.
Molecular consequence: inframe deletion. On other transcripts: non-coding transcript variant (2).
Genome position (GRCh38, 1-based): chr8:125,102,377-125,102,379, CCT deleted; deleting any 3 consecutive bases within chr8:125,102,375-125,102,379 gives the same sequence; the c. name uses the placement nearest the transcript's 3' end. VCF-style (leftmost placement, unchanged base first): chr8-125102374-TCTC-T. GRCh37 (hg19) VCF-style: chr8-126114616-TCTC-T.
Other names: c.47_49del, p.Ser16del (NM_001349485.2, NM_001349486.2, NM_001349487.2); short protein forms S16del.
Identifiers: ClinVar variation 2093127 (VCV002093127.4), dbSNP rs2537450060, ClinGen allele CA2580078575.
Genomic context (GRCh38, chr8:125,102,374, plus strand): 5'-TAGGTACTAATTTCAAGATGCCAGGACGTTCCAGTTCAAATTCAGGTTCAACTGGTTTCA[TCTC>T]CTTCAGTGGTGTAGAGTCTGCTCTCTCCTCCTTGAAAAACTTCCAAGCCTGTATCAACTC-3'

ClinVar aggregate classification (germline): Uncertain significance (1 of 4 stars; one submission).

Submission:

Labcorp Genetics (formerly Invitae), Labcorp
Classification: Uncertain significance. Last evaluated: 2024-02-24. Review status: criteria provided, single submitter. Criteria: Invitae Variant Classification Sherloc (09022015). Collection method: clinical testing. Allele origin: germline.
Comment: This variant, c.47_49del, results in the deletion of 1 amino acid(s) of the NSMCE2 protein (p.Ser16del), but otherwise preserves the integrity of the reading frame. This variant is not present in population databases (gnomAD no frequency). This variant has not been reported in the literature in individuals affected with NSMCE2-related conditions. ClinVar contains an entry for this variant (Variation ID: 2093127). Experimental studies and prediction algorithms are not available or were not evaluated, and the functional significance of this variant is currently unknown. In summary, the available evidence is currently insufficient to determine the role of this variant in disease. Therefore, it has been classified as a Variant of Uncertain Significance.